The following is an entry in ClinVar:

NM_000051.4(ATM):c.1528G>A (p.Ala510Thr)

Gene: ATM (ATM serine/threonine kinase; plus strand). Cytogenetic location: 11q22.3.
Variant type: single nucleotide variant.
Coding change: c.1528G>A on transcript NM_000051.4 (MANE Select); coding-DNA position 1528, G replaced by A.
Protein change: p.Ala510Thr; replaces alanine 510 with threonine.
Molecular consequence: missense variant.
Genome position (GRCh38, 1-based): chr11:108,250,993, G>A. VCF-style: chr11-108250993-G-A. GRCh37 (hg19) VCF-style: chr11-108121720-G-A.
Other names: c.1528G>A, p.Ala510Thr (NM_001351834.2); short protein forms A510T.
Identifiers: ClinVar variation 481198 (VCV000481198.8), dbSNP rs1555071138, ClinGen allele CA382534290.

ClinVar aggregate classification (germline): Uncertain significance. Review status: criteria provided, multiple submitters, no conflicts (2 of 4 stars). 2 submissions from 2 submitters: Uncertain significance (2). Last evaluated 2023-11-12.

Conditions:
Hereditary cancer-predisposing syndrome. Also called: Hereditary neoplastic syndrome; Neoplastic Syndromes, Hereditary; Tumor predisposition; Hereditary Cancer Syndrome. Identifiers: Orphanet 140162, MedGen C0027672, MeSH D009386, MONDO:0015356.
Ataxia-telangiectasia syndrome (AT). Also called: LOUIS-BAR SYNDROME; Cerebello-oculocutaneous telangiectasia; Immunodeficiency with ataxia telangiectasia; AT, COMPLEMENTATION GROUP C; Ataxia-telangiectasia, complementation group D; ATAXIA-TELANGIECTASIA, COMPLEMENTATION GROUP A. Identifiers: Orphanet 100, MedGen C0004135, MONDO:0008840, OMIM 208900.

Submissions (2):

Labcorp Genetics (formerly Invitae), Labcorp
Classification: Uncertain significance for Ataxia-telangiectasia syndrome. Last evaluated: 2023-11-12. Review status: criteria provided, single submitter. Criteria: Invitae Variant Classification Sherloc (09022015). Collection method: clinical testing. Allele origin: germline.
Comment: This sequence change replaces alanine, which is neutral and non-polar, with threonine, which is neutral and polar, at codon 510 of the ATM protein (p.Ala510Thr). This variant is not present in population databases (gnomAD no frequency). This variant has not been reported in the literature in individuals affected with ATM-related conditions. ClinVar contains an entry for this variant (Variation ID: 481198). An algorithm developed to predict the effect of missense changes on protein structure and function (PolyPhen-2) suggests that this variant is likely to be disruptive. In summary, the available evidence is currently insufficient to determine the role of this variant in disease. Therefore, it has been classified as a Variant of Uncertain Significance.

Ambry Genetics
Classification: Uncertain significance for Hereditary cancer-predisposing syndrome. Last evaluated: 2016-03-02. Review status: criteria provided, single submitter. Criteria: Ambry Variant Classification Scheme 2023. Collection method: clinical testing. Allele origin: germline.
Comment: The p.A510T variant (also known as c.1528G>A), located in coding exon 9 of the ATM gene, results from a G to A substitution at nucleotide position 1528. The alanine at codon 510 is replaced by threonine, an amino acid with similar properties. This amino acid position is highly conserved through mammals but not in all available vertebrate species. In addition, this alteration is predicted to be tolerated by in silico analysis. Since supporting evidence is limited at this time, the clinical significance of this alteration remains unclear.